The following is an entry in ClinVar:

ClinVar aggregate classification (germline): Pathogenic/Likely pathogenic. Review status: criteria provided, multiple submitters, no conflicts (2 of 4 stars). 2 submissions from 2 submitters: Pathogenic (1); Likely pathogenic (1). Last evaluated 2015-08-10.

Conditions:
Hereditary cancer-predisposing syndrome. Also called: Hereditary Cancer Syndrome; Neoplastic Syndromes, Hereditary; Hereditary neoplastic syndrome; Tumor predisposition. Identifiers: Orphanet 140162, MedGen C0027672, MeSH D009386, MONDO:0015356.

Submissions (2):

PreventionGenetics, part of Exact Sciences
Classification: Likely pathogenic. Last evaluated: 2015-08-10. Review status: criteria provided, single submitter. Criteria: ACMG Guidelines, 2015. Collection method: clinical testing. Allele origin: germline.

Ambry Genetics
Classification: Pathogenic for Hereditary cancer-predisposing syndrome. Last evaluated: 2014-12-22. Review status: criteria provided, single submitter. Criteria: Ambry Variant Classification Scheme 2023. Collection method: clinical testing. Allele origin: germline.
Comment: The p.W1380* pathogenic mutation (also known as c.4140G>A), located in coding exon 21 of the DICER1 gene, results from a G to A substitution at nucleotide position 4140. This changes the amino acid from a tryptophan to a stop codon within coding exon 21. Since premature stop codons are typically deleterious in nature, this alteration is interpreted as a disease-causing mutation (ACMG Recommendations for Standards for Interpretation and Reporting of Sequence Variations. Revision 2007. Genet Med. 2008;10:294).

NM_177438.3(DICER1):c.4140G>A (p.Trp1380Ter)

Gene: DICER1 (dicer 1, ribonuclease III; minus strand). Cytogenetic location: 14q32.13.
Variant type: single nucleotide variant.
Coding change: c.4140G>A on transcript NM_177438.3 (MANE Select); coding-DNA position 4140, G replaced by A.
Protein change: p.Trp1380Ter; replaces tryptophan 1380 with a stop codon.
Molecular consequence: nonsense.
Genome position (GRCh38, 1-based): chr14:95,099,846, C>T on the plus strand (G>A on the coding strand, the complement: DICER1 is on the minus strand). VCF-style: chr14-95099846-C-T. GRCh37 (hg19) VCF-style: chr14-95566183-C-T.
Other names: c.4140G>A, p.Trp1380Ter (NM_001195573.1, NM_001271282.3, NM_001291628.2 and 1 more transcripts); short protein forms W1380*.
Identifiers: ClinVar variation 429133 (VCV000429133.7), dbSNP rs1131691205, ClinGen allele CA390871967.
Genomic context (GRCh38, chr14:95,099,846, plus strand): 5'-ATCTTTTTCCCATTTATCTGTGTTGCTTTTGTCTTGATTTACTACATAACCAGGAGGAAG[C>T]CAATTCACAGGGGGATCAAATATTGACACCACCATGCGGCTGGGTAGTCCCTTCTTTTTT-3'